The following is an entry in ClinVar:

ClinVar aggregate classification (germline): Uncertain significance (1 of 4 stars; one submission).

Allele frequency attached by ClinVar (database versions not stated): gnomAD 0.00001; gnomAD exomes 0.00001; ExAC 0.00002; TOPMed 0.00002.
gnomAD v4.1: 19 of 1,609,630 alleles (0.0012%); highest among the groups gnomAD compares: Admixed American, 0.0033%; no homozygotes.

Submission:

Labcorp Genetics (formerly Invitae), Labcorp
Classification: Uncertain significance. Last evaluated: 2021-01-22. Review status: criteria provided, single submitter. Criteria: Invitae Variant Classification Sherloc (09022015). Collection method: clinical testing. Allele origin: germline.
Comment: This sequence change replaces arginine with glutamine at codon 908 of the HTT protein (p.Arg908Gln). The arginine residue is moderately conserved and there is a small physicochemical difference between arginine and glutamine. This variant is present in population databases (rs759627085, ExAC 0.01%). This variant has not been reported in the literature in individuals with HTT-related conditions. Experimental studies and prediction algorithms are not available or were not evaluated, and the functional significance of this variant is currently unknown. In summary, the available evidence is currently insufficient to determine the role of this variant in disease. Therefore, it has been classified as a Variant of Uncertain Significance.

NM_001388492.1(HTT):c.2717G>A (p.Arg906Gln)

Gene: HTT (huntingtin; plus strand). Cytogenetic location: 4p16.3.
Variant type: single nucleotide variant.
Coding change: c.2717G>A on transcript NM_001388492.1 (MANE Select); coding-DNA position 2717, G replaced by A.
Protein change: p.Arg906Gln; replaces arginine 906 with glutamine.
Molecular consequence: missense variant.
Genome position (GRCh38, 1-based): chr4:3,136,245, G>A. VCF-style: chr4-3136245-G-A. GRCh37 (hg19) VCF-style: chr4-3137972-G-A.
Other names: c.2723G>A, p.Arg908Gln (NM_002111.8); short protein forms R906Q, R908Q.
Identifiers: ClinVar variation 1408630 (VCV001408630.1), dbSNP rs759627085, ClinGen allele CA2823927.